The following is an entry in ClinVar:

ClinVar aggregate classification (germline): Uncertain significance (1 of 4 stars; one submission).

Conditions:
Hereditary spastic paraplegia 7 (SPG7). Also called: SPASTIC PARAPLEGIA 7, AUTOSOMAL RECESSIVE, WITH OR WITHOUT CEREBELLAR ATAXIA; SPG7-related neurologic disorder; Spastic paraplegia 7; Hereditary spastic paraplegia Paraplegin type; Autosomal recessive spastic paraplegia type 7. Identifiers: Orphanet 99013, MedGen C1846564, MONDO:0011803, OMIM 607259.

gnomAD v4.1: 20 of 1,593,624 alleles (0.0013%); highest among the groups gnomAD compares: South Asian, 0.021%; no homozygotes.

Submission:

Labcorp Genetics (formerly Invitae), Labcorp
Classification: Uncertain significance for Hereditary spastic paraplegia 7. Last evaluated: 2025-10-29. Review status: criteria provided, single submitter. Criteria: Invitae Variant Classification Sherloc (09022015). Collection method: clinical testing. Allele origin: germline.
Comment: This sequence change falls in intron 12 of the SPG7 gene. It does not directly change the encoded amino acid sequence of the SPG7 protein. It affects a nucleotide within the consensus splice site. This variant is present in population databases (rs748340418, gnomAD 0.02%). This variant has not been reported in the literature in individuals affected with SPG7-related conditions. Variants that disrupt the consensus splice site are a relatively common cause of aberrant splicing (PMID: 17576681, 9536098). Algorithms developed to predict the effect of sequence changes on RNA splicing suggest that this variant is not likely to affect RNA splicing. In summary, the available evidence is currently insufficient to determine the role of this variant in disease. Therefore, it has been classified as a Variant of Uncertain Significance.

Literature cited by the submitters: PubMed 17576681; PubMed 9536098.

NM_003119.4(SPG7):c.1663+6G>T

Gene: SPG7 (SPG7 matrix AAA peptidase subunit, paraplegin; plus strand). Cytogenetic location: 16q24.3.
Variant type: single nucleotide variant.
Coding change: c.1663+6G>T on transcript NM_003119.4 (MANE Select); 6 bases into the intron after coding-DNA position 1663, G replaced by T.
Molecular consequence: intron variant.
Genome position (GRCh38, 1-based): chr16:89,548,119, G>T. VCF-style: chr16-89548119-G-T. GRCh37 (hg19) VCF-style: chr16-89614527-G-T.
Other names: c.1663+6G>T (NM_001363850.1).
Identifiers: ClinVar variation 4804605 (VCV004804605.1).